The following is an entry in ClinVar:

ClinVar aggregate classification (germline): Uncertain significance (1 of 4 stars; one submission).

Conditions:
Hereditary breast ovarian cancer syndrome. Also called: Breast and ovarian cancer; Hereditary breast and ovarian cancer syndrome (HBOC); Hereditary breast and ovarian cancer; Hereditary breast and/or ovarian cancer syndrome; BRCA1- and BRCA2-Associated Hereditary Breast and Ovarian Cancer; Hereditary breast and ovarian cancer syndrome. Identifiers: Orphanet 145, MedGen C0677776, MeSH D061325, MONDO:0003582. Disease mechanism: loss of function.

Submission:

Labcorp Genetics (formerly Invitae), Labcorp
Classification: Uncertain significance for Hereditary breast ovarian cancer syndrome. Last evaluated: 2020-10-04. Review status: criteria provided, single submitter. Criteria: Invitae Variant Classification Sherloc (09022015). Collection method: clinical testing. Allele origin: germline.
Comment: This sequence change falls in intron 24 of the BRCA2 gene. It does not directly change the encoded amino acid sequence of the BRCA2 protein, but it affects a nucleotide within the consensus splice site of the intron. This variant is not present in population databases (ExAC no frequency). This variant has not been reported in the literature in individuals with BRCA2-related conditions. Nucleotide substitutions within the consensus splice site are a relatively common cause of aberrant splicing (PMID: 17576681, 9536098). Algorithms developed to predict the effect of sequence changes on RNA splicing suggest that this variant may disrupt the consensus splice site, but this prediction has not been confirmed by published transcriptional studies. In summary, the available evidence is currently insufficient to determine the role of this variant in disease. Therefore, it has been classified as a Variant of Uncertain Significance.

Literature cited by the submitters: PubMed 17576681; PubMed 9536098.

NM_000059.4(BRCA2):c.9256+3A>G

Gene: BRCA2 (BRCA2 DNA repair associated; plus strand). Cytogenetic location: 13q13.1.
Variant type: single nucleotide variant.
Coding change: c.9256+3A>G on transcript NM_000059.4 (MANE Select); 3 bases into the intron after coding-DNA position 9256, A replaced by G.
Molecular consequence: intron variant.
Genome position (GRCh38, 1-based): chr13:32,380,148, A>G. VCF-style: chr13-32380148-A-G. GRCh37 (hg19) VCF-style: chr13-32954285-A-G.
Identifiers: ClinVar variation 1022824 (VCV001022824.7), dbSNP rs1555288593, ClinGen allele CA913188567.